The following is an entry in ClinVar:

ClinVar aggregate classification (germline): Uncertain significance. Review status: criteria provided, multiple submitters, no conflicts (2 of 4 stars). 2 submissions from 2 submitters: Uncertain significance (2). Last evaluated 2024-12-02.

Conditions:
Inborn genetic diseases. Identifiers: MedGen C0950123, MeSH D030342.

Allele frequency attached by ClinVar (database versions not stated): gnomAD 0.00001.

Submissions (2):

Ambry Genetics
Classification: Uncertain significance for Inborn genetic diseases. Last evaluated: 2024-12-02. Review status: criteria provided, single submitter. Criteria: Ambry Variant Classification Scheme 2023. Collection method: clinical testing. Allele origin: germline.

Mayo Clinic Laboratories, Mayo Clinic
Classification: Uncertain significance. Last evaluated: 2022-10-21. Review status: criteria provided, single submitter. Criteria: ACMG Guidelines, 2015. Collection method: clinical testing. Allele origin: germline. Observed: 1 variant allele.
Comment: PM2

NM_020435.4(GJC2):c.965C>A (p.Ala322Glu)

Gene: GJC2 (gap junction protein gamma 2; plus strand). Cytogenetic location: 1q42.13.
Variant type: single nucleotide variant.
Coding change: c.965C>A on transcript NM_020435.4 (MANE Select); coding-DNA position 965, C replaced by A.
Protein change: p.Ala322Glu; replaces alanine 322 with glutamic acid.
Molecular consequence: missense variant.
Genome position (GRCh38, 1-based): chr1:228,158,723, C>A. VCF-style: chr1-228158723-C-A. GRCh37 (hg19) VCF-style: chr1-228346424-C-A.
Other names: p.Ala322Glu; short protein forms A322E.
Identifiers: ClinVar variation 2682721 (VCV002682721.2), dbSNP rs944199616, ClinGen allele CA38728232.